The following is an entry in ClinVar:

ClinVar aggregate classification (germline): Likely benign. Review status: criteria provided, multiple submitters, no conflicts (2 of 4 stars). 2 submissions from 2 submitters: Likely benign (2). Last evaluated 2024-12-17.

Conditions:
Charcot-Marie-Tooth disease type 2. Also called: Charcot-Marie-Tooth type 2. Identifiers: Orphanet 64746, MedGen C0270914, MONDO:0018993.

Allele frequency attached by ClinVar (database versions not stated): TOPMed 0.00001; gnomAD exomes 0.00001; gnomAD 0.00001.
gnomAD v4.1: 12 of 1,614,074 alleles (0.00074%); highest among the groups gnomAD compares: East Asian, 0.0045%; no homozygotes.

Submissions (2):

Labcorp Genetics (formerly Invitae), Labcorp
Classification: Likely benign for Charcot-Marie-Tooth disease type 2. Last evaluated: 2024-12-17. Review status: criteria provided, single submitter. Criteria: Invitae Variant Classification Sherloc (09022015). Collection method: clinical testing. Allele origin: germline.

GeneDx
Classification: Likely benign. Last evaluated: 2017-12-21. Review status: criteria provided, single submitter. Criteria: GeneDx Variant Classification (06012015). Collection method: clinical testing. Allele origin: germline. Affected: yes.
Comment: This variant is considered likely benign or benign based on one or more of the following criteria: it is a conservative change, it occurs at a poorly conserved position in the protein, it is predicted to be benign by multiple in silico algorithms, and/or has population frequency not consistent with disease.

NM_014874.4(MFN2):c.1039-20C>T

Gene: MFN2 (mitofusin 2; plus strand). Cytogenetic location: 1p36.22.
Variant type: single nucleotide variant.
Coding change: c.1039-20C>T on transcript NM_014874.4 (MANE Select); 20 bases into the intron before coding-DNA position 1039, C replaced by T.
Molecular consequence: intron variant.
Genome position (GRCh38, 1-based): chr1:12,001,962, C>T. VCF-style: chr1-12001962-C-T. GRCh37 (hg19) VCF-style: chr1-12062019-C-T.
Other names: c.1039-20C>T (NM_001127660.2).
Identifiers: ClinVar variation 514100 (VCV000514100.8), dbSNP rs1253046105, ClinGen allele CA521455996.